The following is an entry in ClinVar:

ClinVar aggregate classification (germline): Uncertain significance (1 of 4 stars; one submission).

Allele frequency attached by ClinVar (database versions not stated): gnomAD exomes below 0.00001; gnomAD 0.00001; 1000 Genomes Project 30x 0.00016; 1000 Genomes Project 0.00020.
gnomAD v4.1: 4 of 1,614,118 alleles (0.00025%); highest among the groups gnomAD compares: African/African-American, 0.0013%; no homozygotes.

Submission:

Labcorp Genetics (formerly Invitae), Labcorp
Classification: Uncertain significance. Last evaluated: 2022-04-22. Review status: criteria provided, single submitter. Criteria: Invitae Variant Classification Sherloc (09022015). Collection method: clinical testing. Allele origin: germline.
Comment: In summary, the available evidence is currently insufficient to determine the role of this variant in disease. Therefore, it has been classified as a Variant of Uncertain Significance. Algorithms developed to predict the effect of missense changes on protein structure and function (SIFT, PolyPhen-2, Align-GVGD) all suggest that this variant is likely to be tolerated. This variant has not been reported in the literature in individuals affected with A2ML1-related conditions. This variant is present in population databases (rs180872594, gnomAD 0.0009%). This sequence change replaces aspartic acid, which is acidic and polar, with asparagine, which is neutral and polar, at codon 936 of the A2ML1 protein (p.Asp936Asn).

NM_144670.6(A2ML1):c.2806G>A (p.Asp936Asn)

Gene: A2ML1 (alpha-2-macroglobulin like 1; plus strand). Cytogenetic location: 12p13.31.
Variant type: single nucleotide variant.
Coding change: c.2806G>A on transcript NM_144670.6 (MANE Select); coding-DNA position 2806, G replaced by A.
Protein change: p.Asp936Asn; replaces aspartic acid 936 with asparagine.
Molecular consequence: missense variant.
Genome position (GRCh38, 1-based): chr12:8,855,550, G>A. VCF-style: chr12-8855550-G-A. GRCh37 (hg19) VCF-style: chr12-9008146-G-A.
Other names: c.1333G>A, p.Asp445Asn (NM_001282424.3); short protein forms D445N, D936N.
Identifiers: ClinVar variation 2162293 (VCV002162293.4), dbSNP rs180872594, ClinGen allele CA232694006.
Genomic context (GRCh38, chr12:8,855,550, plus strand): 5'-TTTTTTCTGCATCTCACAGGAAAGGTGGCATCTGAATCTGTCTCCCTGGAGCTCCCAGTG[G>A]ACATTGTTCCTGACTCGACCAAGGCTTATGTTACGGTTCTGGGTAAGCAGTTAGAGATTC-3'
Protein context (NP_653271.3, residues 926-946): SESVSLELPV[Asp936Asn]IVPDSTKAYV